The following is an entry in ClinVar:

NM_002666.5(PLIN1):c.203_218del (p.Leu68fs)

Genes: PLIN1 (perilipin 1; minus strand), LOC125146351 (Sharpr-MPRA regulatory region 3473; plus strand). Cytogenetic location: 15q26.1.
Variant type: Deletion.
Coding change: c.203_218del on transcript NM_002666.5 (MANE Select); coding-DNA positions 203 to 218, 16 bases deleted (TGGCTGCCTGGAGCAT).
Protein change: p.Leu68fs; shifts the reading frame from leucine 68.
Molecular consequence: frameshift variant.
Genome position (GRCh38, 1-based): chr15:89,673,242-89,673,257, ATGCTCCAGGCAGCCA deleted on the plus strand (TGGCTGCCTGGAGCAT on the coding strand, the reverse complement: PLIN1 is on the minus strand); deleting any 16 consecutive bases within chr15:89,673,242-89,673,258 gives the same sequence; the c. name uses the placement nearest the transcript's 3' end. VCF-style (leftmost placement, unchanged base first): chr15-89673241-CATGCTCCAGGCAGCCA-C. GRCh37 (hg19) VCF-style: chr15-90216472-CATGCTCCAGGCAGCCA-C.
Other names: c.203_218del, p.Leu68fs (NM_001145311.2); short protein forms L68fs.
Identifiers: ClinVar variation 3775979 (VCV003775979.1).

ClinVar aggregate classification (germline): Likely pathogenic (1 of 4 stars; one submission).

Conditions:
PLIN1-related familial partial lipodystrophy. Also called: LIPODYSTROPHY, FAMILIAL PARTIAL, ASSOCIATED WITH PLIN1 MUTATIONS. Identifiers: Orphanet 280356, MedGen C5191005, MONDO:0013478, OMIM 613877.

Submission:

3billion
Classification: Likely pathogenic for PLIN1-related familial partial lipodystrophy. Last evaluated: 2023-07-06. Review status: criteria provided, single submitter. Criteria: ACMG Guidelines, 2015. Collection method: clinical testing. Allele origin: germline. Affected: yes.
Comment: The variant is not observed in the gnomAD v2.1.1 dataset. Predicted Consequence/Location: Frameshift: predicted to result in a loss or disruption of normal protein function through nonsense-mediated decay (NMD) or protein truncation. Multiple pathogenic variants are reported downstream of the variant. Therefore, this variant is classified as Likely pathogenic according to the recommendation of ACMG/AMP guideline.